The following is an entry in ClinVar:

NM_004183.4(BEST1):c.241G>T (p.Val81Leu)

Gene: BEST1 (bestrophin 1; plus strand). Cytogenetic location: 11q12.3.
Variant type: single nucleotide variant.
Coding change: c.241G>T on transcript NM_004183.4 (MANE Select); coding-DNA position 241, G replaced by T.
Protein change: p.Val81Leu; replaces valine 81 with leucine.
Molecular consequence: missense variant. On other transcripts: non-coding transcript variant (1).
Genome position (GRCh38, 1-based): chr11:61,955,195, G>T. VCF-style: chr11-61955195-G-T. GRCh37 (hg19) VCF-style: chr11-61722667-G-T.
Other names: c.61G>T, p.Val21Leu (NM_001139443.3, NM_001300786.2, NM_001300787.2); c.241G>T, p.Val81Leu (NM_001363592.2); short protein forms V81L, V21L.
Identifiers: ClinVar variation 1501574 (VCV001501574.6), dbSNP rs1555098634, ClinGen allele CA380833841.

ClinVar aggregate classification (germline): Pathogenic (1 of 4 stars; one submission).

Submission:

Labcorp Genetics (formerly Invitae), Labcorp
Classification: Pathogenic. Last evaluated: 2024-05-20. Review status: criteria provided, single submitter. Criteria: Invitae Variant Classification Sherloc (09022015). Collection method: clinical testing. Allele origin: germline.
Comment: This sequence change replaces valine, which is neutral and non-polar, with leucine, which is neutral and non-polar, at codon 81 of the BEST1 protein (p.Val81Leu). This variant is not present in population databases (gnomAD no frequency). This missense change has been observed in individuals with clinical features of autosomal dominant retinitis pigmentosa (Invitae). This variant has been reported in individual(s) with autosomal recessive bestrophinopathy (PMID: 31519547); however, the role of the variant in this condition is currently unclear. ClinVar contains an entry for this variant (Variation ID: 1501574). Advanced modeling of protein sequence and biophysical properties (such as structural, functional, and spatial information, amino acid conservation, physicochemical variation, residue mobility, and thermodynamic stability) performed at Invitae indicates that this missense variant is expected to disrupt BEST1 protein function with a positive predictive value of 95%. This variant disrupts the p.Val81 amino acid residue in BEST1. Other variant(s) that disrupt this residue have been determined to be pathogenic (PMID: 21109774, 26201355, 28687848, 31519547). This suggests that this residue is clinically significant, and that variants that disrupt this residue are likely to be disease-causing. For these reasons, this variant has been classified as Pathogenic.

Literature cited by the submitters: PubMed 31519547; PubMed 21109774; PubMed 26201355; PubMed 28687848.